The following is an entry in ClinVar:

ClinVar aggregate classification (germline): Uncertain significance (1 of 4 stars; one submission).

Conditions:
Malignant hyperthermia, susceptibility to, 5 (MHS5). Also called: CACNA1S-Related Malignant Hyperthermia Susceptibility. Identifiers: Orphanet 423, MedGen C1866077, MONDO:0011163, OMIM 601887.

Submission:

All of Us Research Program, National Institutes of Health
Classification: Uncertain significance for Malignant hyperthermia, susceptibility to, 5. Last evaluated: 2023-02-24. Review status: criteria provided, single submitter. Criteria: ACMG Guidelines, 2015. Collection method: clinical testing. Allele origin: germline. Inheritance: Autosomal dominant inheritance. Observed: 1 variant allele, 1 heterozygote.
Comment: This missense variant replaces glutamic acid with lysine at codon 1774 of the CACNA1S protein. Computational prediction suggests that this variant may not impact protein structure and function (internally defined REVEL score threshold <= 0.5, PMID: 27666373). To our knowledge, functional studies have not been reported for this variant. This variant has not been reported in individuals affected with CACNA1S-related disorders in the literature. This variant has not been identified in the general population by the Genome Aggregation Database (gnomAD). The available evidence is insufficient to determine the role of this variant in disease conclusively. Therefore, this variant is classified as a Variant of Uncertain Significance.

This study involves interpretation of variants in research participants for the purpose of population health screening. Participant phenotype was not available at the time of variant classification. Additional details can be found in publication PMID: 35346344, PMCID: PMC8962531

NM_000069.3(CACNA1S):c.5320G>A (p.Glu1774Lys)

Gene: CACNA1S (calcium voltage-gated channel subunit alpha1 S; minus strand). Cytogenetic location: 1q32.1.
Variant type: single nucleotide variant.
Coding change: c.5320G>A on transcript NM_000069.3 (MANE Select); coding-DNA position 5320, G replaced by A.
Protein change: p.Glu1774Lys; replaces glutamic acid 1774 with lysine.
Molecular consequence: missense variant.
Genome position (GRCh38, 1-based): chr1:201,040,281, C>T on the plus strand (G>A on the coding strand, the complement: CACNA1S is on the minus strand). VCF-style: chr1-201040281-C-T. GRCh37 (hg19) VCF-style: chr1-201009409-C-T.
Other names: short protein forms E1774K.
Identifiers: ClinVar variation 3069546 (VCV003069546.1), dbSNP rs2464390101, ClinGen allele CA344130663.